The following is an entry in ClinVar:

NM_205836.3(FBXO38):c.2150C>T (p.Ser717Leu)

Gene: FBXO38 (F-box protein 38; plus strand). Cytogenetic location: 5q32.
Variant type: single nucleotide variant.
Coding change: c.2150C>T on transcript NM_205836.3 (MANE Select); coding-DNA position 2150, C replaced by T.
Protein change: p.Ser717Leu; replaces serine 717 with leucine.
Molecular consequence: missense variant. On other transcripts: intron variant (1).
Genome position (GRCh38, 1-based): chr5:148,427,444, C>T. VCF-style: chr5-148427444-C-T. GRCh37 (hg19) VCF-style: chr5-147807007-C-T.
Other names: c.2150C>T, p.Ser717Leu (NM_030793.5); c.1918+1743C>T (NM_001271723.2); short protein forms S717L.
Identifiers: ClinVar variation 3700507 (VCV003700507.2).

ClinVar aggregate classification (germline): Uncertain significance (1 of 4 stars; one submission).

Conditions:
Distal hereditary motor neuropathy type 2. Identifiers: Orphanet 139525, MedGen C3711384, MeSH C580044, MONDO:0015352.

Submission:

Labcorp Genetics (formerly Invitae), Labcorp
Classification: Uncertain significance for Distal hereditary motor neuropathy type 2. Last evaluated: 2024-07-26. Review status: criteria provided, single submitter. Criteria: Invitae Variant Classification Sherloc (09022015). Collection method: clinical testing. Allele origin: germline.
Comment: This sequence change replaces serine, which is neutral and polar, with leucine, which is neutral and non-polar, at codon 717 of the FBXO38 protein (p.Ser717Leu). This variant is not present in population databases (gnomAD no frequency). This variant has not been reported in the literature in individuals affected with FBXO38-related conditions. Advanced modeling of protein sequence and biophysical properties (such as structural, functional, and spatial information, amino acid conservation, physicochemical variation, residue mobility, and thermodynamic stability) performed at Invitae indicates that this missense variant is not expected to disrupt FBXO38 protein function with a negative predictive value of 80%. In summary, the available evidence is currently insufficient to determine the role of this variant in disease. Therefore, it has been classified as a Variant of Uncertain Significance.